The following is an entry in ClinVar:

NM_181426.2(CCDC39):c.1102A>G (p.Met368Val)

Gene: CCDC39 (coiled-coil domain 39 molecular ruler complex subunit; minus strand). Cytogenetic location: 3q26.33.
Variant type: single nucleotide variant.
Coding change: c.1102A>G on transcript NM_181426.2 (MANE Select); coding-DNA position 1102, A replaced by G.
Protein change: p.Met368Val; replaces methionine 368 with valine.
Molecular consequence: missense variant.
Genome position (GRCh38, 1-based): chr3:180,651,466, T>C on the plus strand (A>G on the coding strand, the complement: CCDC39 is on the minus strand). VCF-style: chr3-180651466-T-C. GRCh37 (hg19) VCF-style: chr3-180369254-T-C.
Other names: short protein forms M368V.
Identifiers: ClinVar variation 344272 (VCV000344272.10), dbSNP rs564446820, ClinGen allele CA2716010.

ClinVar aggregate classification (germline): Uncertain significance. Review status: criteria provided, multiple submitters, no conflicts (2 of 4 stars). 2 submissions from 2 submitters: Uncertain significance (2). Last evaluated 2021-08-28.

Conditions:
Primary ciliary dyskinesia. Also called: Ciliary dyskinesia. Identifiers: Orphanet 244, MedGen C0008780, MONDO:0016575, HP:0012265.
Primary ciliary dyskinesia 14. Also called: CILIARY DYSKINESIA, PRIMARY, 14, WITH OR WITHOUT SITUS INVERSUS. Identifiers: Orphanet 244, MedGen C3151136, MONDO:0013434, OMIM 613807.

Allele frequency attached by ClinVar (database versions not stated): gnomAD 0.00001 and 0.00003; TOPMed 0.00002; gnomAD exomes 0.00006 and 0.00012; 1000 Genomes Project 30x 0.00016; ExAC 0.00016; 1000 Genomes Project 0.00020.
gnomAD v4.1: 91 of 1,552,408 alleles (0.0059%); highest among the groups gnomAD compares: East Asian, 0.21%; no homozygotes.

Submissions (2):

Labcorp Genetics (formerly Invitae), Labcorp
Classification: Uncertain significance for Primary ciliary dyskinesia. Last evaluated: 2021-08-28. Review status: criteria provided, single submitter. Criteria: Invitae Variant Classification Sherloc (09022015). Collection method: clinical testing. Allele origin: germline.
Comment: This sequence change replaces methionine with valine at codon 368 of the CCDC39 protein (p.Met368Val). The methionine residue is weakly conserved and there is a small physicochemical difference between methionine and valine. This variant is present in population databases (rs564446820, ExAC 0.4%). This variant has not been reported in the literature in individuals affected with CCDC39-related conditions. ClinVar contains an entry for this variant (Variation ID: 344272). Algorithms developed to predict the effect of missense changes on protein structure and function (SIFT, PolyPhen-2, Align-GVGD) all suggest that this variant is likely to be tolerated. In summary, the available evidence is currently insufficient to determine the role of this variant in disease. Therefore, it has been classified as a Variant of Uncertain Significance.

Illumina Laboratory Services, Illumina
Classification: Uncertain significance for Primary ciliary dyskinesia 14. Last evaluated: 2018-01-13. Review status: criteria provided, single submitter. Criteria: ICSL Variant Classification Criteria 13 December 2019. Collection method: clinical testing. Allele origin: germline.